The following is an entry in ClinVar:

NM_015100.4(POGZ):c.1952A>G (p.Lys651Arg)

Gene: POGZ (pogo transposable element derived with ZNF domain; minus strand). Cytogenetic location: 1q21.3.
Variant type: single nucleotide variant.
Coding change: c.1952A>G on transcript NM_015100.4 (MANE Select); coding-DNA position 1952, A replaced by G.
Protein change: p.Lys651Arg; replaces lysine 651 with arginine.
Molecular consequence: missense variant.
Genome position (GRCh38, 1-based): chr1:151,408,803, T>C on the plus strand (A>G on the coding strand, the complement: POGZ is on the minus strand). VCF-style: chr1-151408803-T-C. GRCh37 (hg19) VCF-style: chr1-151381279-T-C.
Other names: c.1925A>G, p.Lys642Arg (NM_001194937.2); c.1766A>G, p.Lys589Arg (NM_001194938.2); c.1973A>G, p.Lys658Arg (NM_001410860.1); c.1667A>G, p.Lys556Arg (NM_145796.4); c.1793A>G, p.Lys598Arg (NM_207171.2); short protein forms K556R, K589R, K598R, K642R, K651R, K658R.
Identifiers: ClinVar variation 4888055 (VCV004888055.1).

ClinVar aggregate classification (germline): Uncertain significance (1 of 4 stars; one submission).

gnomAD v4.1: 1 of 1,613,852 alleles (0.000062%); highest among the groups gnomAD compares: Non-Finnish European, 0.000085%; no homozygotes.

Submission:

GeneDx
Classification: Uncertain significance. Last evaluated: 2026-02-24. Review status: criteria provided, single submitter. Criteria: GeneDx Variant Classification Process June 2021. Collection method: clinical testing. Allele origin: germline.
Comment: Not observed at significant frequency in large population cohorts (gnomAD); In silico analysis supports that this missense variant has a deleterious effect on protein structure/function; Has not been previously published as pathogenic or benign to our knowledge; In silico analysis suggests this variant may impact gene splicing. In the absence of RNA/functional studies, the actual effect of this sequence change is unknown.